The following is an entry in ClinVar:

ClinVar aggregate classification (germline): Uncertain significance (1 of 4 stars; one submission).

Allele frequency attached by ClinVar (database versions not stated): gnomAD exomes below 0.00001; TOPMed below 0.00001; ExAC 0.00001.
gnomAD v4.1: 4 of 1,614,172 alleles (0.00025%); highest among the groups gnomAD compares: Non-Finnish European, 0.00034%; no homozygotes.

Submission:

Labcorp Genetics (formerly Invitae), Labcorp
Classification: Uncertain significance. Last evaluated: 2022-03-04. Review status: criteria provided, single submitter. Criteria: Invitae Variant Classification Sherloc (09022015). Collection method: clinical testing. Allele origin: germline.
Comment: In summary, the available evidence is currently insufficient to determine the role of this variant in disease. Therefore, it has been classified as a Variant of Uncertain Significance. Algorithms developed to predict the effect of missense changes on protein structure and function output the following: SIFT: "Tolerated"; PolyPhen-2: "Benign"; Align-GVGD: "Class C0". The valine amino acid residue is found in multiple mammalian species, which suggests that this missense change does not adversely affect protein function. This variant has not been reported in the literature in individuals affected with ERCC5-related conditions. This variant is present in population databases (rs775712530, gnomAD 0.0009%). This sequence change replaces isoleucine, which is neutral and non-polar, with valine, which is neutral and non-polar, at codon 632 of the ERCC5 protein (p.Ile632Val).

NM_000123.4(ERCC5):c.1894A>G (p.Ile632Val)

Genes: BIVM-ERCC5 (BIVM-ERCC5 readthrough; plus strand), ERCC5 (ERCC excision repair 5, endonuclease; plus strand). Cytogenetic location: 13q33.1.
Variant type: single nucleotide variant.
Coding change: c.1894A>G on transcript NM_000123.4 (MANE Select); coding-DNA position 1894, A replaced by G.
Protein change: p.Ile632Val; replaces isoleucine 632 with valine.
Molecular consequence: missense variant.
Genome position (GRCh38, 1-based): chr13:102,863,043, A>G. VCF-style: chr13-102863043-A-G. GRCh37 (hg19) VCF-style: chr13-103515393-A-G.
Other names: c.3256A>G, p.Ile1086Val (NM_001204425.2); short protein forms I1086V, I632V.
Identifiers: ClinVar variation 1911726 (VCV001911726.5), dbSNP rs775712530, ClinGen allele CA7041474.